The following is an entry in ClinVar:

NM_000215.4(JAK3):c.2678C>T (p.Pro893Leu)

Gene: JAK3 (Janus kinase 3; minus strand). Cytogenetic location: 19p13.11.
Variant type: single nucleotide variant.
Coding change: c.2678C>T on transcript NM_000215.4 (MANE Select); coding-DNA position 2678, C replaced by T.
Protein change: p.Pro893Leu; replaces proline 893 with leucine.
Molecular consequence: missense variant.
Genome position (GRCh38, 1-based): chr19:17,832,521, G>A on the plus strand (C>T on the coding strand, the complement: JAK3 is on the minus strand). VCF-style: chr19-17832521-G-A. GRCh37 (hg19) VCF-style: chr19-17943330-G-A.
Other names: short protein forms P893L.
Identifiers: ClinVar variation 328502 (VCV000328502.10), dbSNP rs772027199, ClinGen allele CA9301556.
Genomic context (GRCh38, chr19:17,832,521, plus strand): 5'-ATGTGCACTTTGAAAAGCACCCATACGTCTTGGTTCACTCATCCGGGAGCTGGCTCACCC[G>A]GGCCATAGCTGACACCACGATACTTGACAATGAAATCACTGTGCAGTGCTTTGAGGATCT-3'
Protein context (NP_000206.2, residues 883-903): IVKYRGVSYG[Pro893Leu]GRQSLRLVME

ClinVar aggregate classification (germline): Uncertain significance. Review status: criteria provided, multiple submitters, no conflicts (2 of 4 stars). 2 submissions from 2 submitters: Uncertain significance (2). Last evaluated 2022-08-31.

Conditions:
T-B+ severe combined immunodeficiency due to JAK3 deficiency. Also called: SCID, autosomal recessive, T-negative/B-positive type; SCID, T CELL-NEGATIVE, B CELL-POSITIVE, NK CELL-NEGATIVE. Identifiers: Orphanet 35078, MedGen C1833275, MONDO:0010938, OMIM 600802.

Allele frequency attached by ClinVar (database versions not stated): gnomAD 0.00003; TOPMed 0.00008.
gnomAD v4.1: 28 of 1,614,110 alleles (0.0017%); highest among the groups gnomAD compares: East Asian, 0.04%; 1 homozygote.

Submissions (3):

Labcorp Genetics (formerly Invitae), Labcorp
Classification: Uncertain significance for T-B+ severe combined immunodeficiency due to JAK3 deficiency. Last evaluated: 2022-08-31. Review status: criteria provided, single submitter. Criteria: Invitae Variant Classification Sherloc (09022015). Collection method: clinical testing. Allele origin: germline.
Comment: This sequence change replaces proline, which is neutral and non-polar, with leucine, which is neutral and non-polar, at codon 893 of the JAK3 protein (p.Pro893Leu). This variant is present in population databases (rs772027199, gnomAD 0.04%). This variant has not been reported in the literature in individuals affected with JAK3-related conditions. ClinVar contains an entry for this variant (Variation ID: 328502). Algorithms developed to predict the effect of missense changes on protein structure and function (SIFT, PolyPhen-2, Align-GVGD) all suggest that this variant is likely to be tolerated. In summary, the available evidence is currently insufficient to determine the role of this variant in disease. Therefore, it has been classified as a Variant of Uncertain Significance.

Illumina Laboratory Services, Illumina
Classification: Uncertain significance for T-B+ severe combined immunodeficiency due to JAK3 deficiency. Last evaluated: 2018-01-12. Review status: criteria provided, single submitter. Criteria: ICSL Variant Classification Criteria 13 December 2019. Collection method: clinical testing. Allele origin: germline.

Dr. Peter K. Rogan Lab, Western University
No classification provided (evidence only). Condition: Thymoma. Review status: no classification provided. Collection method: in vitro. Allele origin: not applicable. Functional consequence: retained intron. Not counted in ClinVar's aggregate classification.